The following is an entry in ClinVar:

ClinVar aggregate classification (germline): Likely benign (0 of 4 stars; one submission).

Conditions:
EP300-related disorder. Also called: EP300-related disorders; EP300-related condition.

Submission:

PreventionGenetics, part of Exact Sciences
Classification: Likely benign for EP300-related condition. Last evaluated: 2023-01-18. Review status: no assertion criteria provided. Collection method: clinical testing. Allele origin: germline.
Comment: This variant is classified as likely benign based on ACMG/AMP sequence variant interpretation guidelines (Richards et al. 2015 PMID: 25741868, with internal and published modifications).

NM_001429.4(EP300):c.94+8dup

Genes: EP300 (E1A binding protein p300; plus strand), LOC130067530 (ATAC-STARR-seq lymphoblastoid active region 19106; plus strand). Cytogenetic location: 22q13.2.
Variant type: Duplication.
Coding change: c.94+8dup on transcript NM_001429.4 (MANE Select); 8 bases into the intron after coding-DNA position 94, one base duplicated (T; older notation c.94+8dupT).
Molecular consequence: intron variant.
Genome position (GRCh38, 1-based): chr22:41,093,106, T duplicated; the last of 3 consecutive T bases (chr22:41,093,104-41,093,106); duplicating any one gives the same sequence. VCF-style (leftmost placement, unchanged base first): chr22-41093103-G-GT. GRCh37 (hg19) VCF-style: chr22-41489107-G-GT.
Other names: c.94+8dup (NM_001362843.2).
Identifiers: ClinVar variation 3353332 (VCV003353332.1).